The following is an entry in ClinVar:

ClinVar aggregate classification (germline): Pathogenic/Likely pathogenic. Review status: criteria provided, multiple submitters, no conflicts (2 of 4 stars). 10 submissions from 10 submitters: Pathogenic (5); Likely pathogenic (4). 1 of the submissions does not count toward it. Last evaluated 2025-12-10.

Conditions:
Hereditary cancer-predisposing syndrome. Also called: Neoplastic Syndromes, Hereditary; Hereditary Cancer Syndrome; Tumor predisposition; Hereditary neoplastic syndrome. Identifiers: Orphanet 140162, MedGen C0027672, MeSH D009386, MONDO:0015356.
Breast-ovarian cancer, familial, susceptibility to, 1 (BROVCA1). Also called: OVARIAN CANCER, SUSCEPTIBILITY TO; BRCA1 Hereditary Breast and Ovarian Cancer. Identifiers: Orphanet 145, MedGen C2676676, MONDO:0011450, OMIM 604370. Disease mechanism: loss of function.
Familial cancer of breast. Also called: Hereditary breast cancer; hereditary breast carcinoma; BREAST CANCER, FAMILIAL. Identifiers: Orphanet 227535, MedGen C0346153, MONDO:0016419, OMIM 114480. Disease mechanism: loss of function.
Ataxia-telangiectasia syndrome (AT). Also called: Cerebello-oculocutaneous telangiectasia; Immunodeficiency with ataxia telangiectasia; Ataxia-telangiectasia, complementation group D; AT, COMPLEMENTATION GROUP C; Ataxia-telangiectasia, complementation group E; Ataxia-telangiectasia. Identifiers: Orphanet 100, MedGen C0004135, MONDO:0008840, OMIM 208900.

Allele frequency attached by ClinVar (database versions not stated): gnomAD exomes below 0.00001.
gnomAD v4.1: 1 of 1,606,116 alleles (0.000062%); highest among the groups gnomAD compares: Non-Finnish European, 0.000085%; no homozygotes.

Submissions (10):

Labcorp Genetics (formerly Invitae), Labcorp
Classification: Pathogenic for Ataxia-telangiectasia syndrome. Last evaluated: 2025-12-10. Review status: criteria provided, single submitter. Criteria: Invitae Variant Classification Sherloc (09022015). Collection method: clinical testing. Allele origin: germline.
Comment: This sequence change affects a donor splice site in intron 38 of the ATM gene. RNA analysis indicates that disruption of this splice site induces altered splicing and may result in an absent or altered protein product. This variant is not present in population databases (gnomAD no frequency). Disruption of this splice site has been observed in individual(s) with ovarian cancer (PMID: 26845104). ClinVar contains an entry for this variant (Variation ID: 224519). Studies have shown that disruption of this splice site results in skipping of exon 38, and produces a non-functional protein and/or introduces a premature termination codon (internal data). For these reasons, this variant has been classified as Pathogenic.

Institute of Immunology and Genetics Kaiserslautern
Classification: Pathogenic for Breast-ovarian cancer, familial, susceptibility to, 1. Last evaluated: 2025-07-30. Review status: criteria provided, single submitter. Criteria: ACMG Guidelines, 2015. Collection method: clinical testing. Allele origin: germline. Affected: yes.
Comment: ACMG Criteria: PVS1, PS4,PM2,PP1,PP3, PP5.

CeGaT Center for Human Genetics Tuebingen
Classification: Pathogenic. Last evaluated: 2025-02-01. Review status: criteria provided, single submitter. Criteria: CeGaT Center For Human Genetics Tuebingen Variant Classification Criteria Version 2. Collection method: clinical testing. Allele origin: germline. Affected: yes. Observed: 1 variant allele.
Comment: ATM: PVS1, PM2, PS4:Moderate

Natera, Inc.
Classification: Pathogenic for Ataxia-telangiectasia. Last evaluated: 2024-05-22. Review status: criteria provided, single submitter. Criteria: Natera Variant Classification Schema (03/2026). Collection method: clinical testing. Allele origin: germline.
Comment: The c.5762+1G>T variant in ATM is a canonical splice donor site variant predicted to affect pre-mRNA splicing, which may result in an abnormal transcript and altered protein product. This variant is expected to result in nonsense mediated decay, truncation, or a dysfunctional protein product. This variant is rare in the general population with a frequency below the threshold expected for the associated phenotype(s). This variant has been observed in one or more individuals affected with the associated recessive disease, as either homozygous or compound heterozygous with a second variant (PMID: 33551102). Given the available evidence, this variant is classified as Pathogenic.

Myriad Genetics, Inc.
Classification: Likely pathogenic for Familial cancer of breast. Last evaluated: 2024-01-25. Review status: criteria provided, single submitter. Criteria: Myriad Autosomal Dominant, Autosomal Recessive and X-Linked Classification Criteria (2023). Collection method: clinical testing. Allele origin: unknown.
Comment: This variant is considered likely pathogenic. This variant occurs within a consensus splice junction and is predicted to result in abnormal mRNA splicing of either an out-of-frame exon or an in-frame exon necessary for protein stability and/or normal function.

Ambry Genetics
Classification: Pathogenic for Hereditary cancer-predisposing syndrome. Last evaluated: 2023-01-25. Review status: criteria provided, single submitter. Criteria: Ambry Variant Classification Scheme 2023. Collection method: clinical testing. Allele origin: germline.
Comment: The c.5762+1G>T pathogenic mutation results from a G to T substitution one nucleotide after coding exon 37 of the ATM gene. This nucleotide position is highly conserved in available vertebrate species. In silico splice site analysis predicts that this alteration will weaken the native splice donor site. RNA studies have demonstrated that this alteration results in abnormal splicing in the set of samples tested (Ambry internal data). Based on the supporting evidence, this alteration is interpreted as a disease-causing mutation.

Color Diagnostics, LLC DBA Color Health
Classification: Likely pathogenic for Hereditary cancer-predisposing syndrome. Last evaluated: 2022-12-05. Review status: criteria provided, single submitter. Criteria: ACMG Guidelines, 2015. Collection method: clinical testing. Allele origin: germline.
Comment: This variant causes a G to T nucleotide substitution at the +1 position of intron 38 of the ATM gene. Splice site prediction tools predict that this variant may have a significant impact on RNA splicing. External laboratory's RNA studies have reported that this variant results in abnormal splicing (ClinVar SCV000278229.6). This variant has been reported in an individual affected with ovarian cancer (PMID: 26845104). This variant has not been identified in the general population by the Genome Aggregation Database (gnomAD). Loss of ATM function is a known mechanism of disease. Based on the available evidence, this variant is classified as Likely Pathogenic.

Baylor Genetics
Classification: Likely pathogenic for Familial cancer of breast. Last evaluated: 2022-07-07. Review status: criteria provided, single submitter. Criteria: ACMG Guidelines, 2015. Collection method: clinical testing. Allele origin: unknown.

University of Washington Department of Laboratory Medicine, University of Washington
Classification: Likely pathogenic for Hereditary cancer-predisposing syndrome. Last evaluated: 2015-11-20. Review status: criteria provided, single submitter. Criteria: Shirts et al. (Genet Med 2016). Collection method: clinical testing. Allele origin: germline. Affected: yes. Observed: 1 variant allele.

Counsyl
Classification: Likely pathogenic for Ataxia-telangiectasia syndrome. Last evaluated: 2018-04-11. Review status: no assertion criteria provided. Collection method: clinical testing. Allele origin: unknown. Not counted in ClinVar's aggregate classification.

Literature cited by the submitters: PubMed 26845104 (cited by Labcorp Genetics (formerly Invitae), Labcorp and Color Diagnostics, LLC DBA Color Health); PubMed 33551102 (cited by Natera, Inc.).

NM_000051.4(ATM):c.5762+1G>T

Gene: ATM (ATM serine/threonine kinase; plus strand). Cytogenetic location: 11q22.3.
Variant type: single nucleotide variant.
Coding change: c.5762+1G>T on transcript NM_000051.4 (MANE Select); the canonical splice donor site of the intron after coding-DNA position 5762, G replaced by T.
Molecular consequence: splice donor variant.
Genome position (GRCh38, 1-based): chr11:108,307,985, G>T. VCF-style: chr11-108307985-G-T. GRCh37 (hg19) VCF-style: chr11-108178712-G-T.
Other names: c.5762+1G>T (NM_001351834.2).
Identifiers: ClinVar variation 224519 (VCV000224519.34), dbSNP rs869312756, ClinGen allele CA353503.
Genomic context (GRCh38, chr11:108,307,985, plus strand): 5'-GGATAAAAAATCACAAAGAACAATGCTTGCTGTTGTGGACTACATGAGAAGACAAAAGAG[G>T]TAATGTAATGAGTGTTGCTTCTTACGTTTAGGATCTAGAGTGTAACTTGTTAACTATCGG-3'